The following is an entry in ClinVar:

ClinVar aggregate classification (germline): Conflicting classifications of pathogenicity. Review status: criteria provided, conflicting classifications (1 of 4 stars). 4 submissions from 4 submitters: Uncertain significance (3); Likely benign (1). Last evaluated 2023-03-23.

Conditions:
Hereditary cancer-predisposing syndrome. Also called: Tumor predisposition; Hereditary neoplastic syndrome; Neoplastic Syndromes, Hereditary; Hereditary Cancer Syndrome. Identifiers: Orphanet 140162, MedGen C0027672, MeSH D009386, MONDO:0015356.
Hereditary breast ovarian cancer syndrome. Also called: Hereditary breast and ovarian cancer; Breast and ovarian cancer; Hereditary breast and/or ovarian cancer syndrome; Hereditary breast and ovarian cancer syndrome; Hereditary breast and ovarian cancer syndrome (HBOC); BRCA1- and BRCA2-Associated Hereditary Breast and Ovarian Cancer. Identifiers: Orphanet 145, MedGen C0677776, MeSH D061325, MONDO:0003582. Disease mechanism: loss of function.

Submissions (4):

University of Washington Department of Laboratory Medicine, University of Washington
Classification: Likely benign for Hereditary cancer-predisposing syndrome. Last evaluated: 2023-03-23. Review status: criteria provided, single submitter. Criteria: Dines et al. (Genet Med. 2020). Collection method: curation. Allele origin: germline.
Comment: Missense variant in a coldspot region where missense variants are very unlikely to be pathogenic (PMID:31911673).

BRCA2 exon 11 coldspot. Reclassification based on statistical prior probability.

Labcorp Genetics (formerly Invitae), Labcorp
Classification: Uncertain significance for Hereditary breast ovarian cancer syndrome. Last evaluated: 2023-01-13. Review status: criteria provided, single submitter. Criteria: Invitae Variant Classification Sherloc (09022015). Collection method: clinical testing. Allele origin: germline.
Comment: Advanced modeling of protein sequence and biophysical properties (such as structural, functional, and spatial information, amino acid conservation, physicochemical variation, residue mobility, and thermodynamic stability) performed at Invitae indicates that this missense variant is not expected to disrupt BRCA2 protein function. ClinVar contains an entry for this variant (Variation ID: 860015). This variant has not been reported in the literature in individuals affected with BRCA2-related conditions. This variant is not present in population databases (gnomAD no frequency). This sequence change replaces threonine, which is neutral and polar, with proline, which is neutral and non-polar, at codon 2026 of the BRCA2 protein (p.Thr2026Pro). In summary, the available evidence is currently insufficient to determine the role of this variant in disease. Therefore, it has been classified as a Variant of Uncertain Significance.

Women's Health and Genetics/Laboratory Corporation of America, LabCorp
Classification: Uncertain significance. Last evaluated: 2022-12-10. Review status: criteria provided, single submitter. Criteria: LabCorp Variant Classification Summary - May 2015. Collection method: clinical testing. Allele origin: germline.

Ambry Genetics
Classification: Uncertain significance for Hereditary cancer-predisposing syndrome. Last evaluated: 2022-03-11. Review status: criteria provided, single submitter. Criteria: Ambry Variant Classification Scheme 2023. Collection method: clinical testing. Allele origin: germline.
Comment: The p.T2026P variant (also known as c.6076A>C), located in coding exon 10 of the BRCA2 gene, results from an A to C substitution at nucleotide position 6076. The threonine at codon 2026 is replaced by proline, an amino acid with highly similar properties. This amino acid position is conserved. In addition, this alteration is predicted to be tolerated by in silico analysis. Since supporting evidence is limited at this time, the clinical significance of this alteration remains unclear.

NM_000059.4(BRCA2):c.6076A>C (p.Thr2026Pro)

Gene: BRCA2 (BRCA2 DNA repair associated; plus strand). Cytogenetic location: 13q13.1.
Variant type: single nucleotide variant.
Coding change: c.6076A>C on transcript NM_000059.4 (MANE Select); coding-DNA position 6076, A replaced by C.
Protein change: p.Thr2026Pro; replaces threonine 2026 with proline.
Molecular consequence: missense variant.
Genome position (GRCh38, 1-based): chr13:32,340,431, A>C. VCF-style: chr13-32340431-A-C. GRCh37 (hg19) VCF-style: chr13-32914568-A-C.
Other names: short protein forms T2026P.
Identifiers: ClinVar variation 860015 (VCV000860015.14), dbSNP rs587782249, ClinGen allele CA387787990.
Genomic context (GRCh38, chr13:32,340,431, plus strand): 5'-AGTACCAAGCAAGTCTTTTCCAAAGTATTGTTTAAAAGTAACGAACATTCAGACCAGCTC[A>C]CAAGAGAAGAAAATACTGCTATACGTACTCCAGAACATTTAATATCCCAAAAAGGCTTTT-3'
Protein context (NP_000050.3, residues 2016-2036): FKSNEHSDQL[Thr2026Pro]REENTAIRTP